The following is an entry in ClinVar:

ClinVar aggregate classification (germline): Uncertain significance. Review status: criteria provided, multiple submitters, no conflicts (2 of 4 stars). 2 submissions from 2 submitters: Uncertain significance (2). Last evaluated 2025-12-17.

Conditions:
Atrial conduction disease. Identifiers: Orphanet 436242, MedGen CN221670, MONDO:0014500.

Allele frequency attached by ClinVar (database versions not stated): gnomAD 0.00001 and 0.00003; TOPMed 0.00002; ExAC 0.00004; gnomAD exomes 0.00004; ESP Exome Variant Server 0.00008; 1000 Genomes Project 30x 0.00016; 1000 Genomes Project 0.00020.
gnomAD v4.1: 61 of 1,614,160 alleles (0.0038%); highest among the groups gnomAD compares: Non-Finnish European, 0.0049%; no homozygotes.

Submissions (2):

Labcorp Genetics (formerly Invitae), Labcorp
Classification: Uncertain significance. Last evaluated: 2025-12-17. Review status: criteria provided, single submitter. Criteria: Invitae Variant Classification Sherloc (09022015). Collection method: clinical testing. Allele origin: germline.
Comment: This sequence change creates a premature translational stop signal (p.Leu359*) in the TNNI3K gene. It is expected to result in an absent or disrupted protein product. However, the current clinical and genetic evidence is not sufficient to establish whether loss-of-function variants in TNNI3K cause disease. This variant is present in population databases (rs142183632, gnomAD 0.006%). This variant has not been reported in the literature in individuals affected with TNNI3K-related conditions. ClinVar contains an entry for this variant (Variation ID: 1520068). In summary, the available evidence is currently insufficient to determine the role of this variant in disease. Therefore, it has been classified as a Variant of Uncertain Significance.

ARUP Laboratories, Molecular Genetics and Genomics, ARUP Laboratories
Classification: Uncertain significance for Cardiac conduction disease with or without dilated cardiomyopathy 1. Last evaluated: 2024-06-14. Review status: criteria provided, single submitter. Criteria: ARUP Molecular Germline Variant Investigation Process 2024. Collection method: clinical testing. Allele origin: germline.
Comment: The TNNI3K c.1076T>G; p.Leu359Ter variant (rs142183632), to our knowledge, is not reported in the medical literature but is reported in ClinVar (Variation ID: 1520068). This variant is found in the general population with an overall allele frequency of 0.004% (9/251,254 alleles) in the Genome Aggregation Database (v2.1.1). This variant induces an early termination codon and is predicted to result in a truncated protein or mRNA subject to nonsense-mediated decay; however, it is unclear whether loss-of-function variants are associated with disease. Given the lack of clinical and functional data, the significance of this variant is uncertain at this time.

NM_015978.3(TNNI3K):c.1076T>G (p.Leu359Ter)

Genes: FPGT-TNNI3K (FPGT-TNNI3K readthrough; plus strand), TNNI3K (TNNI3 interacting kinase; plus strand). Cytogenetic location: 1p31.1.
Variant type: single nucleotide variant.
Coding change: c.1076T>G on transcript NM_015978.3 (MANE Select); coding-DNA position 1076, T replaced by G.
Protein change: p.Leu359Ter; replaces leucine 359 with a stop codon.
Molecular consequence: nonsense.
Genome position (GRCh38, 1-based): chr1:74,354,028, T>G. VCF-style: chr1-74354028-T-G. GRCh37 (hg19) VCF-style: chr1-74819712-T-G.
Other names: c.1379T>G, p.Leu460Ter (NM_001112808.3, NM_001199327.2); short protein forms L359*, L460*.
Identifiers: ClinVar variation 1520068 (VCV001520068.7), dbSNP rs142183632, ClinGen allele CA909146.